The following is an entry in ClinVar:

ClinVar aggregate classification (germline): Benign/Likely benign. Review status: criteria provided, multiple submitters, no conflicts (2 of 4 stars). 6 submissions from 3 submitters: Benign (3); Likely benign (3). Last evaluated 2022-12-01.

Conditions:
Autosomal recessive cerebellar ataxia. Also called: Spinocerebellar Ataxia, Recessive; Spinocerebellar ataxia, autosomal recessive. Identifiers: Orphanet 1172, MedGen C5575375, MONDO:0015244.
Infantile onset spinocerebellar ataxia (MTDPS7). Also called: SPINOCEREBELLAR ATAXIA, INFANTILE, WITH SENSORY NEUROPATHY; Mitochondrial DNA depletion syndrome 7 (hepatocerebral type); OPHTHALMOPLEGIA, HYPOTONIA, ATAXIA, HYPOACUSIS, AND ATHETOSIS; OHAHA SYNDROME. Identifiers: Orphanet 1186, MedGen C1849096, MONDO:0010060, OMIM 271245.
Progressive external ophthalmoplegia with mitochondrial DNA deletions, autosomal dominant 3. Also called: PROGRESSIVE EXTERNAL OPHTHALMOPLEGIA, AUTOSOMAL DOMINANT 3. Identifiers: MedGen C1836439, MONDO:0012241, OMIM 609286.
Sensory ataxic neuropathy, dysarthria, and ophthalmoparesis (SANDO). Also called: Sensory ataxic neuropathy-dysarthria-ophthalmoparesis syndrome; Epilepsy, progressive myoclonic, type 5; SENSORY ATAXIC NEUROPATHY WITH MITOCHONDRIAL DNA DELETIONS, AUTOSOMAL RECESSIVE; Ataxia Neuropathy Spectrum (ANS). Identifiers: Orphanet 70595, MedGen C1843851, MONDO:0011835, OMIM 607459.

Allele frequency attached by ClinVar (database versions not stated): gnomAD exomes 0.00036; gnomAD 0.00426 and 0.00460; 1000 Genomes Project 0.00459; TOPMed 0.00473; 1000 Genomes Project 30x 0.00547.
gnomAD v4.1: 658 of 175,120 alleles (0.38%); highest among the groups gnomAD compares: African/African-American, 1.4%; 5 homozygotes.

Submissions (6):

CeGaT Center for Human Genetics Tuebingen
Classification: Benign. Last evaluated: 2022-12-01. Review status: criteria provided, single submitter. Criteria: CeGaT Center For Human Genetics Tuebingen Variant Classification Criteria Version 2. Collection method: clinical testing. Allele origin: germline. Affected: yes. Observed: 2 variant alleles.
Comment: TWNK: BS1, BS2

GeneDx
Classification: Likely benign. Last evaluated: 2021-10-18. Review status: criteria provided, single submitter. Criteria: GeneDx Variant Classification Process June 2021. Collection method: clinical testing. Allele origin: germline. Affected: yes.

Illumina Laboratory Services, Illumina
Classification: Benign for Progressive external ophthalmoplegia with mitochondrial DNA deletions, autosomal dominant 3. Last evaluated: 2018-01-12. Review status: criteria provided, single submitter. Criteria: ICSL Variant Classification Criteria 13 December 2019. Collection method: clinical testing. Allele origin: germline.
Comment: This variant was observed in the ICSL laboratory as part of a predisposition screen in an ostensibly healthy population. It had not been previously curated by ICSL or reported in the Human Gene Mutation Database (HGMD: prior to June 1st, 2018), and was therefore a candidate for classification through an automated scoring system. Utilizing variant allele frequency, disease prevalence and penetrance estimates, and inheritance mode, an automated score was calculated to assess if this variant is too frequent to cause the disease. Based on the score and internal cut-off values, a variant classified as benign is not then subjected to further curation. The score for this variant resulted in a classification of benign for this disease.

Illumina Laboratory Services, Illumina
Classification: Likely benign for Infantile onset spinocerebellar ataxia. Last evaluated: 2018-01-12. Review status: criteria provided, single submitter. Criteria: ICSL Variant Classification Criteria 13 December 2019. Collection method: clinical testing. Allele origin: germline.
Comment: This variant was observed in the ICSL laboratory as part of a predisposition screen in an ostensibly healthy population. It had not been previously curated by ICSL or reported in the Human Gene Mutation Database (HGMD: prior to June 1st, 2018), and was therefore a candidate for classification through an automated scoring system. Utilizing variant allele frequency, disease prevalence and penetrance estimates, and inheritance mode, an automated score was calculated to assess if this variant is too frequent to cause the disease. Based on the score and internal cut-off values, a variant classified as likely benign is not then subjected to further curation. The score for this variant resulted in a classification of likely benign for this disease.

Illumina Laboratory Services, Illumina
Classification: Likely benign for Autosomal recessive cerebellar ataxia. Last evaluated: 2018-01-12. Review status: criteria provided, single submitter. Criteria: ICSL Variant Classification Criteria 13 December 2019. Collection method: clinical testing. Allele origin: germline.
Comment: the same text as in the submission from Illumina Laboratory Services, Illumina above.

Illumina Laboratory Services, Illumina
Classification: Benign for Sensory ataxic neuropathy-dysarthria-ophthalmoparesis syndrome. Last evaluated: 2018-01-12. Review status: criteria provided, single submitter. Criteria: ICSL Variant Classification Criteria 13 December 2019. Collection method: clinical testing. Allele origin: germline.
Comment: the same text as in the submission from Illumina Laboratory Services, Illumina above.

NM_021830.5(TWNK):c.*455C>T

Gene: TWNK (twinkle mtDNA helicase; plus strand). Cytogenetic location: 10q24.31.
Variant type: single nucleotide variant.
Coding change: c.*455C>T on transcript NM_021830.5 (MANE Select); 455 bases downstream of the stop codon, C replaced by T.
Molecular consequence: 3 prime UTR variant. On other transcripts: non-coding transcript variant (5).
Genome position (GRCh38, 1-based): chr10:100,993,965, C>T. VCF-style: chr10-100993965-C-T. GRCh37 (hg19) VCF-style: chr10-102753722-C-T.
Other names: c.*805C>T (NM_001163812.2, NM_001163814.2); c.*455C>T (NM_001163813.2, NM_001368275.1).
Identifiers: ClinVar variation 298511 (VCV000298511.30), dbSNP rs148810959, ClinGen allele CA10634378.